The following is an entry in ClinVar:

NM_001375524.1(TRRAP):c.10987A>G (p.Ser3663Gly)

Gene: TRRAP (transformation/transcription domain associated protein; plus strand). Cytogenetic location: 7q22.1.
Variant type: single nucleotide variant.
Coding change: c.10987A>G on transcript NM_001375524.1 (MANE Select); coding-DNA position 10987, A replaced by G.
Protein change: p.Ser3663Gly; replaces serine 3663 with glycine.
Molecular consequence: missense variant.
Genome position (GRCh38, 1-based): chr7:99,011,100, A>G. VCF-style: chr7-99011100-A-G. GRCh37 (hg19) VCF-style: chr7-98608723-A-G.
Other names: c.10945A>G, p.Ser3649Gly (NM_001244580.2); c.10858A>G, p.Ser3620Gly (NM_003496.4); short protein forms S3620G, S3649G, S3663G.
Identifiers: ClinVar variation 3608034 (VCV003608034.4).

ClinVar aggregate classification (germline): Uncertain significance. Review status: criteria provided, multiple submitters, no conflicts (2 of 4 stars). 2 submissions from 2 submitters: Uncertain significance (2). Last evaluated 2025-10-24.

gnomAD v4.1: 13 of 1,614,176 alleles (0.00081%); highest among the groups gnomAD compares: African/African-American, 0.0013%; no homozygotes.

Submissions (2):

Dasa
Classification: Uncertain significance. Last evaluated: 2025-10-24. Review status: criteria provided, single submitter. Criteria: DASA Assertion Criteria. Collection method: clinical testing. Allele origin: germline.
Comment: NM_001375524.1(TRRAP):c.10987A>G (p.Ser3663Gly) is a missense variant that results in the substitution of serine with glycine. This variant is rare in population databases. The currently available literature and clinical evidence are not sufficient to establish a definitive association between this variant and the reported condition. Therefore, this variant is classified as a variant of uncertain significance.

Labcorp Genetics (formerly Invitae), Labcorp
Classification: Uncertain significance. Last evaluated: 2024-05-21. Review status: criteria provided, single submitter. Criteria: Invitae Variant Classification Sherloc (09022015). Collection method: clinical testing. Allele origin: germline.
Comment: This sequence change replaces serine, which is neutral and polar, with glycine, which is neutral and non-polar, at codon 3620 of the TRRAP protein (p.Ser3620Gly). This variant is present in population databases (no rsID available, gnomAD 0.0009%). This variant has not been reported in the literature in individuals affected with TRRAP-related conditions. Advanced modeling of protein sequence and biophysical properties (such as structural, functional, and spatial information, amino acid conservation, physicochemical variation, residue mobility, and thermodynamic stability) performed at Invitae indicates that this missense variant is not expected to disrupt TRRAP protein function with a negative predictive value of 80%. In summary, the available evidence is currently insufficient to determine the role of this variant in disease. Therefore, it has been classified as a Variant of Uncertain Significance.